The following is an entry in ClinVar:

ClinVar aggregate classification (germline): Uncertain significance (1 of 4 stars; one submission).

Submission:

Labcorp Genetics (formerly Invitae), Labcorp
Classification: Uncertain significance. Last evaluated: 2025-03-31. Review status: criteria provided, single submitter. Criteria: Invitae Variant Classification Sherloc (09022015). Collection method: clinical testing. Allele origin: germline.
Comment: This sequence change replaces glycine, which is neutral and non-polar, with serine, which is neutral and polar, at codon 517 of the C9 protein (p.Gly517Ser). This variant is not present in population databases (gnomAD no frequency). This variant has not been reported in the literature in individuals affected with C9-related conditions. Invitae Evidence Modeling of protein sequence and biophysical properties (such as structural, functional, and spatial information, amino acid conservation, physicochemical variation, residue mobility, and thermodynamic stability) indicates that this missense variant is expected to disrupt C9 protein function with a positive predictive value of 80%. In summary, the available evidence is currently insufficient to determine the role of this variant in disease. Therefore, it has been classified as a Variant of Uncertain Significance.

NM_001737.5(C9):c.1549G>A (p.Gly517Ser)

Gene: C9 (complement C9; minus strand). Cytogenetic location: 5p13.1.
Variant type: single nucleotide variant.
Coding change: c.1549G>A on transcript NM_001737.5 (MANE Select); coding-DNA position 1549, G replaced by A.
Protein change: p.Gly517Ser; replaces glycine 517 with serine.
Molecular consequence: missense variant.
Genome position (GRCh38, 1-based): chr5:39,288,819, C>T on the plus strand (G>A on the coding strand, the complement: C9 is on the minus strand). VCF-style: chr5-39288819-C-T. GRCh37 (hg19) VCF-style: chr5-39288921-C-T.
Other names: short protein forms G517S.
Identifiers: ClinVar variation 4771925 (VCV004771925.1).